The following is an entry in ClinVar:

ClinVar aggregate classification (germline): Uncertain significance (1 of 4 stars; one submission).

gnomAD v4.1: 7 of 1,367,544 alleles (0.00051%); highest among the groups gnomAD compares: Non-Finnish European, 0.00069%; no homozygotes.

Submission:

Labcorp Genetics (formerly Invitae), Labcorp
Classification: Uncertain significance. Last evaluated: 2024-07-21. Review status: criteria provided, single submitter. Criteria: Invitae Variant Classification Sherloc (09022015). Collection method: clinical testing. Allele origin: germline.
Comment: This sequence change replaces arginine, which is basic and polar, with isoleucine, which is neutral and non-polar, at codon 1424 of the ERCC6L2 protein (p.Arg1424Ile). This variant is not present in population databases (gnomAD no frequency). This variant has not been reported in the literature in individuals affected with ERCC6L2-related conditions. Experimental studies and prediction algorithms are not available or were not evaluated, and the functional significance of this variant is currently unknown. In summary, the available evidence is currently insufficient to determine the role of this variant in disease. Therefore, it has been classified as a Variant of Uncertain Significance.

NM_020207.7(ERCC6L2):c.4238G>T (p.Arg1413Ile)

Gene: ERCC6L2 (ERCC excision repair 6 like 2; plus strand). Cytogenetic location: 9q22.32.
Variant type: single nucleotide variant.
Coding change: c.4238G>T on transcript NM_020207.7 (MANE Select); coding-DNA position 4238, G replaced by T.
Protein change: p.Arg1413Ile; replaces arginine 1413 with isoleucine.
Molecular consequence: missense variant. On other transcripts: non-coding transcript variant (1), intron variant (2).
Genome position (GRCh38, 1-based): chr9:96,012,788, G>T. VCF-style: chr9-96012788-G-T. GRCh37 (hg19) VCF-style: chr9-98775070-G-T.
Other names: c.3674+8087G>T (NM_001375291.1, NM_001375292.1); short protein forms R1413I.
Identifiers: ClinVar variation 3682845 (VCV003682845.2).
Genomic context (GRCh38, chr9:96,012,788, plus strand): 5'-AGAGAAGGTTAGAAAATACCATGAAAGACCAACAGGACCTCACAAGAACGGGCATTTCAA[G>T]AAAAGAACCCCTTCTCAAATTGGAAAACAAAAAGATAGAAAATCCAGTGCTGGAAAATAC-3'
Protein context (NP_064592.3, residues 1403-1423): QQDLTRTGIS[Arg1413Ile]KEPLLKLENK